The following is an entry in ClinVar:

ClinVar aggregate classification (germline): Uncertain significance. Review status: criteria provided, multiple submitters, no conflicts (2 of 4 stars). 2 submissions from 2 submitters: Uncertain significance (2). Last evaluated 2024-06-24.

Conditions:
Brunner syndrome (BRNRS). Identifiers: Orphanet 3057, MedGen C0796275, MONDO:0010379, OMIM 300615.

gnomAD v4.1: 18 of 1,211,633 alleles (0.0015%); highest among the groups gnomAD compares: Non-Finnish European, 0.0019%; no homozygotes.

Submissions (2):

Labcorp Genetics (formerly Invitae), Labcorp
Classification: Uncertain significance for Brunner syndrome. Last evaluated: 2024-06-24. Review status: criteria provided, single submitter. Criteria: Invitae Variant Classification Sherloc (09022015). Collection method: clinical testing. Allele origin: germline.
Comment: This sequence change replaces glutamic acid, which is acidic and polar, with glutamine, which is neutral and polar, at codon 5 of the MAOA protein (p.Glu5Gln). This variant is present in population databases (no rsID available, gnomAD 0.001%). This variant has not been reported in the literature in individuals affected with MAOA-related conditions. Algorithms developed to predict the effect of missense changes on protein structure and function output the following: SIFT: "Not Available"; PolyPhen-2: "Benign"; Align-GVGD: "Not Available". The glutamine amino acid residue is found in multiple mammalian species, which suggests that this missense change does not adversely affect protein function. In summary, the available evidence is currently insufficient to determine the role of this variant in disease. Therefore, it has been classified as a Variant of Uncertain Significance.

GeneDx
Classification: Uncertain significance. Last evaluated: 2024-04-09. Review status: criteria provided, single submitter. Criteria: GeneDx Variant Classification Process June 2021. Collection method: clinical testing. Allele origin: germline. Affected: yes.
Comment: Not observed at significant frequency in large population cohorts (gnomAD); In silico analysis indicates that this missense variant does not alter protein structure/function; Has not been previously published as pathogenic or benign to our knowledge

NM_000240.4(MAOA):c.13G>C (p.Glu5Gln)

Gene: MAOA (monoamine oxidase A; plus strand). Cytogenetic location: Xp11.3.
Variant type: single nucleotide variant.
Coding change: c.13G>C on transcript NM_000240.4 (MANE Select); coding-DNA position 13, G replaced by C.
Protein change: p.Glu5Gln; replaces glutamic acid 5 with glutamine.
Molecular consequence: missense variant. On other transcripts: 5 prime UTR variant (1).
Genome position (GRCh38, 1-based): chrX:43,656,354, G>C. VCF-style: chrX-43656354-G-C. GRCh37 (hg19) VCF-style: chrX-43515602-G-C.
Other names: c.-495G>C (NM_001270458.2); short protein forms E5Q.
Identifiers: ClinVar variation 3372182 (VCV003372182.3).